The following is an entry in ClinVar:

NM_153240.5(NPHP3):c.1989G>T (p.Leu663Phe)

Genes: NPHP3 (nephrocystin 3; minus strand), NPHP3-ACAD11 (NPHP3-ACAD11 readthrough (NMD candidate); minus strand). Cytogenetic location: 3q22.1.
Variant type: single nucleotide variant.
Coding change: c.1989G>T on transcript NM_153240.5 (MANE Select); coding-DNA position 1989, G replaced by T.
Protein change: p.Leu663Phe; replaces leucine 663 with phenylalanine.
Molecular consequence: missense variant. On other transcripts: non-coding transcript variant (1).
Genome position (GRCh38, 1-based): chr3:132,697,359, C>A on the plus strand (G>T on the coding strand, the complement: NPHP3 is on the minus strand). VCF-style: chr3-132697359-C-A. GRCh37 (hg19) VCF-style: chr3-132416203-C-A.
Other names: short protein forms L663F.
Identifiers: ClinVar variation 1370120 (VCV001370120.8), dbSNP rs1939482136, ClinGen allele CA354582341.

ClinVar aggregate classification (germline): Uncertain significance (1 of 4 stars; one submission).

Conditions:
Nephronophthisis. Also called: Juvenile Nephronophthisis. Identifiers: Orphanet 655, MedGen C0687120, MONDO:0019005, HP:0000090.

Submission:

Labcorp Genetics (formerly Invitae), Labcorp
Classification: Uncertain significance for Nephronophthisis. Last evaluated: 2021-02-05. Review status: criteria provided, single submitter. Criteria: Invitae Variant Classification Sherloc (09022015). Collection method: clinical testing. Allele origin: germline.
Comment: In summary, the available evidence is currently insufficient to determine the role of this variant in disease. Therefore, it has been classified as a Variant of Uncertain Significance. Algorithms developed to predict the effect of missense changes on protein structure and function are either unavailable or do not agree on the potential impact of this missense change (SIFT: "Deleterious"; PolyPhen-2: "Probably Damaging"; Align-GVGD: "Class C0"). This variant has not been reported in the literature in individuals with NPHP3-related conditions. This variant is not present in population databases (ExAC no frequency). This sequence change replaces leucine with phenylalanine at codon 663 of the NPHP3 protein (p.Leu663Phe). The leucine residue is highly conserved and there is a small physicochemical difference between leucine and phenylalanine.